The following is an entry in ClinVar:

ClinVar aggregate classification (germline): Pathogenic/Likely pathogenic. Review status: criteria provided, multiple submitters, no conflicts (2 of 4 stars). 8 submissions from 8 submitters: Pathogenic (4); Likely pathogenic (4). Last evaluated 2026-01-14.

Conditions:
ADA-related disorder. Also called: ADA-related condition.
Severe combined immunodeficiency disease. Also called: Severe combined immunodeficiency; Severe Combined Immune Deficiency. Identifiers: Orphanet 183660, MedGen C0085110, MeSH D016511, MONDO:0015974, HP:0004430. Inheritance: X-Linked or Autosomal recessive.
Severe combined immunodeficiency, autosomal recessive, T cell-negative, B cell-negative, NK cell-negative, due to adenosine deaminase deficiency. Also called: SCID DUE TO ADA DEFICIENCY; SCID DUE TO ADA DEFICIENCY, EARLY-ONSET; ADA-SCID; ADA deficiency; Adenosine deaminase deficient severe combined immunodeficiency; Severe combined immunodeficiency due to ADA deficiency. Identifiers: Orphanet 277, MedGen C0392607, MONDO:0007064, OMIM 102700.

Submissions (8):

GeneDx
Classification: Pathogenic. Last evaluated: 2026-01-14. Review status: criteria provided, single submitter. Criteria: GeneDx Variant Classification Process June 2021. Collection method: clinical testing. Allele origin: germline. Affected: yes.
Comment: Frameshift variant predicted to result in protein truncation or nonsense mediated decay in a gene for which loss-of-function is a known mechanism of disease; Has not been previously published as pathogenic or benign to our knowledge

Labcorp Genetics (formerly Invitae), Labcorp
Classification: Pathogenic for Severe combined immunodeficiency, autosomal recessive, T cell-negative, B cell-negative, NK cell-negative, due to adenosine deaminase deficiency. Last evaluated: 2025-07-29. Review status: criteria provided, single submitter. Criteria: Invitae Variant Classification Sherloc (09022015). Collection method: clinical testing. Allele origin: germline.
Comment: This sequence change creates a premature translational stop signal (p.Asp123Profs*47) in the ADA gene. It is expected to result in an absent or disrupted protein product. Loss-of-function variants in ADA are known to be pathogenic (PMID: 26255240, 26376800). This variant is present in population databases (rs758073965, gnomAD 0.003%). This variant has not been reported in the literature in individuals affected with ADA-related conditions. ClinVar contains an entry for this variant (Variation ID: 1074979). For these reasons, this variant has been classified as Pathogenic.

Natera, Inc.
Classification: Likely pathogenic for Severe combined immunodeficiency due to ADA deficiency. Last evaluated: 2025-03-20. Review status: criteria provided, single submitter. Criteria: Natera Variant Classification Schema (03/2026). Collection method: clinical testing. Allele origin: germline.
Comment: The c.366_367delGG variant in ADA is a frameshift variant predicted to shift the reading frame beginning at codon 123 and leads to a stop codon 47 codons downstream. This variant is expected to result in nonsense mediated decay, truncation, or a dysfunctional protein product. This variant is rare in the general population with a frequency below the threshold expected for the associated phenotype(s). Given the available evidence, this variant is classified as Likely Pathogenic.

Baylor Genetics
Classification: Likely pathogenic for Severe combined immunodeficiency, autosomal recessive, T cell-negative, B cell-negative, NK cell-negative, due to adenosine deaminase deficiency. Last evaluated: 2023-09-04. Review status: criteria provided, single submitter. Criteria: ACMG Guidelines, 2015. Collection method: clinical testing. Allele origin: unknown.

Women's Health and Genetics/Laboratory Corporation of America, LabCorp
Classification: Likely pathogenic for Severe combined immunodeficiency disease. Last evaluated: 2023-01-05. Review status: criteria provided, single submitter. Criteria: LabCorp Variant Classification Summary - May 2015. Collection method: clinical testing. Allele origin: germline.
Comment: Variant summary: ADA c.366_367delGG (p.Asp123ProfsX47) results in a premature termination codon, predicted to cause a truncation of the encoded protein or absence of the protein due to nonsense mediated decay, which are commonly known mechanisms for disease. Truncations downstream of this position have been classified as pathogenic by our laboratory. The variant allele was found at a frequency of 1.8e-05 in 166232 control chromosomes. To our knowledge, no occurrence of c.366_367delGG in individuals affected with Severe Combined Immunodeficiency and no experimental evidence demonstrating its impact on protein function have been reported. Four ClinVar submitters (evaluation after 2014) have cited this variant, and all laboratories classified the variant as pathogenic. Based on the evidence outlined above, the variant was classified as likely pathogenic.

Genome-Nilou Lab
Classification: Pathogenic for Severe combined immunodeficiency, autosomal recessive, T cell-negative, B cell-negative, NK cell-negative, due to adenosine deaminase deficiency. Last evaluated: 2021-08-10. Review status: criteria provided, single submitter. Criteria: ACMG Guidelines, 2015. Collection method: clinical testing. Allele origin: germline. Affected: no.

Revvity Omics, Revvity
Classification: Pathogenic for Severe combined immunodeficiency, autosomal recessive, T cell-negative, B cell-negative, NK cell-negative, due to adenosine deaminase deficiency. Last evaluated: 2020-11-19. Review status: criteria provided, single submitter. Criteria: ACMG Guidelines, 2015. Collection method: clinical testing. Allele origin: germline.

Blueprint Genetics
Classification: Likely pathogenic for ADA-related disorders. Last evaluated: 2020-05-06. Review status: criteria provided, single submitter. Criteria: ACMG Guidelines, 2015. Collection method: clinical testing. Allele origin: germline. Affected: yes. Observed: 1 variant allele.

Literature cited by the submitters: PubMed 26255240 (cited by Labcorp Genetics (formerly Invitae), Labcorp); PubMed 26376800 (cited by Labcorp Genetics (formerly Invitae), Labcorp).

NM_000022.4(ADA):c.366_367del (p.Asp123fs)

Gene: ADA (adenosine deaminase; minus strand). Cytogenetic location: 20q13.12.
Variant type: Deletion.
Coding change: c.366_367del on transcript NM_000022.4 (MANE Select); coding-DNA positions 366 to 367, 2 bases deleted (GG; older notation c.366_367delGG).
Protein change: p.Asp123fs; shifts the reading frame from aspartic acid 123.
Molecular consequence: frameshift variant. On other transcripts: non-coding transcript variant (1), intron variant (1).
Genome position (GRCh38, 1-based): chr20:44,625,680-44,625,681, CC deleted on the plus strand (GG on the coding strand, the reverse complement: ADA is on the minus strand); deleting any 2 consecutive bases within chr20:44,625,680-44,625,683 gives the same sequence; the c. name uses the placement nearest the transcript's 3' end. VCF-style (leftmost placement, unchanged base first): chr20-44625679-TCC-T. GRCh37 (hg19) VCF-style: chr20-43254320-TCC-T.
Other names: c.366_367del (NM_000022.2); c.366_367delGG (NM_000022.3); c.366_367del, p.Asp123fs (NM_001322051.2); c.73+775_73+776del (NM_001322050.2); short protein forms D123fs.
Identifiers: ClinVar variation 1074979 (VCV001074979.20), dbSNP rs758073965, ClinGen allele CA9871686.
Genomic context (GRCh38, chr20:44,625,679, plus strand): 5'-TCTCGCTCCCCCTCCTGCAGGCCCTGGCCCACTAGGGCCACCACCTCGTCTGGGGTGAGG[TCC>T]CCTCTGTGTGAGGAGAGGAGTAGGGATGGGCCTGAGGCAAAAGGAAGGCCTAAAGGGCAG-3'